The following is an entry in ClinVar:

NM_017837.4(PIGV):c.409C>G (p.Leu137Val)

Gene: PIGV (phosphatidylinositol glycan anchor biosynthesis class V; plus strand). Cytogenetic location: 1p36.11.
Variant type: single nucleotide variant.
Coding change: c.409C>G on transcript NM_017837.4 (MANE Select); coding-DNA position 409, C replaced by G.
Protein change: p.Leu137Val; replaces leucine 137 with valine.
Molecular consequence: missense variant. On other transcripts: non-coding transcript variant (1), intron variant (3).
Genome position (GRCh38, 1-based): chr1:26,794,443, C>G. VCF-style: chr1-26794443-C-G. GRCh37 (hg19) VCF-style: chr1-27120934-C-G.
Other names: c.409C>G, p.Leu137Val (NM_001202554.2, NM_001374478.1, NM_001374480.1 and 2 more transcripts); c.28C>G, p.Leu10Val (NM_001374483.1); c.172+237C>G (NM_001374484.1, NM_001374485.1); c.79-3120C>G (NM_001374486.1); short protein forms L10V, L137V.
Identifiers: ClinVar variation 2185410 (VCV002185410.4), dbSNP rs2081352853, ClinGen allele CA339199692.

ClinVar aggregate classification (germline): Uncertain significance (1 of 4 stars; one submission).

Allele frequency attached by ClinVar (database versions not stated): TOPMed below 0.00001.

Submission:

Labcorp Genetics (formerly Invitae), Labcorp
Classification: Uncertain significance. Last evaluated: 2022-05-25. Review status: criteria provided, single submitter. Criteria: Invitae Variant Classification Sherloc (09022015). Collection method: clinical testing. Allele origin: germline.
Comment: In summary, the available evidence is currently insufficient to determine the role of this variant in disease. Therefore, it has been classified as a Variant of Uncertain Significance. Algorithms developed to predict the effect of sequence changes on RNA splicing suggest that this variant may create or strengthen a splice site. Algorithms developed to predict the effect of missense changes on protein structure and function are either unavailable or do not agree on the potential impact of this missense change (SIFT: "Tolerated"; PolyPhen-2: "Probably Damaging"; Align-GVGD: "Class C0"). This variant has not been reported in the literature in individuals affected with PIGV-related conditions. This variant is not present in population databases (gnomAD no frequency). This sequence change replaces leucine, which is neutral and non-polar, with valine, which is neutral and non-polar, at codon 137 of the PIGV protein (p.Leu137Val).